The following is an entry in ClinVar:

ClinVar aggregate classification (germline): Benign/Likely benign. Review status: criteria provided, multiple submitters, no conflicts (2 of 4 stars). 4 submissions from 4 submitters: Benign (1); Likely benign (2). 1 of the submissions does not count toward it. Last evaluated 2025-12-01.

Conditions:
ASXL3-related disorder. Also called: ASXL3-related condition. Identifiers: MedGen CN381524.

Allele frequency attached by ClinVar (database versions not stated): 1000 Genomes Project 30x 0.00016; 1000 Genomes Project 0.00020; ESP Exome Variant Server 0.00033; TOPMed 0.00033; gnomAD exomes 0.00062 and 0.00112; gnomAD 0.00076 and 0.00082; ExAC 0.00130.
gnomAD v4.1: 1,029 of 1,613,970 alleles (0.064%); highest among the groups gnomAD compares: Non-Finnish European, 0.055%; 3 homozygotes.

Submissions (4):

CeGaT Center for Human Genetics Tuebingen
Classification: Likely benign. Last evaluated: 2025-12-01. Review status: criteria provided, single submitter. Criteria: CeGaT Center For Human Genetics Tuebingen Variant Classification Criteria Version 2. Collection method: clinical testing. Allele origin: germline. Affected: yes. Observed: 5 variant alleles.
Comment: ASXL3: BP4, BS1

Blueprint Genetics
Classification: Likely benign. Last evaluated: 2024-11-27. Review status: criteria provided, single submitter. Criteria: ACMG Guidelines, 2015. Collection method: clinical testing. Allele origin: germline.

GeneDx
Classification: Benign. Last evaluated: 2020-02-18. Review status: criteria provided, single submitter. Criteria: GeneDx Variant Classification Process June 2021. Collection method: clinical testing. Allele origin: germline. Affected: yes.

PreventionGenetics, part of Exact Sciences
Classification: Likely benign for ASXL3-related condition. Last evaluated: 2022-10-10. Review status: no assertion criteria provided. Collection method: clinical testing. Allele origin: germline. Not counted in ClinVar's aggregate classification.
Comment: This variant is classified as likely benign based on ACMG/AMP sequence variant interpretation guidelines (Richards et al. 2015 PMID: 25741868, with internal and published modifications).

NM_030632.3(ASXL3):c.3391C>T (p.Pro1131Ser)

Gene: ASXL3 (ASXL transcriptional regulator 3; plus strand). Cytogenetic location: 18q12.1.
Variant type: single nucleotide variant.
Coding change: c.3391C>T on transcript NM_030632.3 (MANE Select); coding-DNA position 3391, C replaced by T.
Protein change: p.Pro1131Ser; replaces proline 1131 with serine.
Molecular consequence: missense variant.
Genome position (GRCh38, 1-based): chr18:33,743,239, C>T. VCF-style: chr18-33743239-C-T. GRCh37 (hg19) VCF-style: chr18-31323203-C-T.
Other names: c.3391C>T (NM_030632.2); short protein forms P1131S.
Identifiers: ClinVar variation 1284112 (VCV001284112.27), dbSNP rs189035129, ClinGen allele CA8934076.
Genomic context (GRCh38, chr18:33,743,239, plus strand): 5'-TTTGCAAAGCATCAAGCTCGAGCCCATCTCTTCCAGACCTCTAAAGAGACCCGGTTGCCT[C>T]CTCCGCTCAGCTCAAAGGAAGGGCCTCCAAACTTAGAAGTCTCTTCTACCCCTGAAACAA-3'
Protein context (NP_085135.1, residues 1121-1141): FQTSKETRLP[Pro1131Ser]PLSSKEGPPN